The following is an entry in ClinVar:

NM_021620.4(PRDM13):c.503G>A (p.Gly168Asp)

Gene: PRDM13 (PR/SET domain 13; plus strand). Cytogenetic location: 6q16.2.
Variant type: single nucleotide variant.
Coding change: c.503G>A on transcript NM_021620.4 (MANE Select); coding-DNA position 503, G replaced by A.
Protein change: p.Gly168Asp; replaces glycine 168 with aspartic acid.
Molecular consequence: missense variant.
Genome position (GRCh38, 1-based): chr6:99,613,138, G>A. VCF-style: chr6-99613138-G-A. GRCh37 (hg19) VCF-style: chr6-100061014-G-A.
Other names: short protein forms G168D.
Identifiers: ClinVar variation 2609204 (VCV002609204.4), dbSNP rs2538544407, ClinGen allele CA365115409.

ClinVar aggregate classification (germline): Uncertain significance. Review status: criteria provided, multiple submitters, no conflicts (2 of 4 stars). 2 submissions from 2 submitters: Uncertain significance (2). Last evaluated 2026-03-11.

Conditions:
Inborn genetic diseases. Identifiers: MedGen C0950123, MeSH D030342.

Allele frequency attached by ClinVar (database versions not stated): gnomAD exomes below 0.00001.

Submissions (2):

Dasa
Classification: Uncertain significance. Last evaluated: 2026-03-11. Review status: criteria provided, single submitter. Criteria: DASA Assertion Criteria. Collection method: clinical testing. Allele origin: germline.
Comment: NM_021620.4(PRDM13):c.503G>A (p.Gly168Asp) is a missense variant that results in the substitution of glycine with aspartic acid. This variant is rare in population databases. The currently available literature and clinical evidence are not sufficient to establish a definitive association between this variant and the reported condition. Therefore, this variant is classified as a variant of uncertain significance.

Ambry Genetics
Classification: Uncertain significance for Inborn genetic diseases. Last evaluated: 2023-06-30. Review status: criteria provided, single submitter. Criteria: Ambry Variant Classification Scheme 2023. Collection method: clinical testing. Allele origin: germline.